The following is an entry in ClinVar:

NM_001166108.2(PALLD):c.1965-12935C>A

Gene: PALLD (palladin, cytoskeletal associated protein; plus strand). Cytogenetic location: 4q32.3.
Variant type: single nucleotide variant.
Coding change: c.1965-12935C>A on transcript NM_001166108.2 (MANE Select); 12935 bases into the intron before coding-DNA position 1965, C replaced by A.
Molecular consequence: intron variant. On other transcripts: synonymous variant (1).
Genome position (GRCh38, 1-based): chr4:168,877,987, C>A. VCF-style: chr4-168877987-C-A. GRCh37 (hg19) VCF-style: chr4-169799138-C-A.
Other names: c.96C>A (NM_001166110.1); c.96C>A, p.Leu32= (NM_001166110.2); c.1965-12935C>A (NM_016081.4); c.819-12935C>A (NM_001166109.2); c.-157-12935C>A (NM_001367570.1, NM_001367568.1, NM_001367567.1 and 1 more transcripts).
Identifiers: ClinVar variation 2713455 (VCV002713455.6), dbSNP rs1200653889, ClinGen allele CA790722850.
Genomic context (GRCh38, chr4:168,877,987, plus strand): 5'-GCAGTCCTCCGGCTCCTTCAACTACGCGCGCCCCAAGCAGTTCATCGCCGCGCAGAACCT[C>A]GGGCCCGCGTCGGGCCACGGCACGCCGGCCTCCAGCCCCAGCTCGTCCAGCCTCCCGTCG-3'

ClinVar aggregate classification (germline): Likely benign. Review status: criteria provided, multiple submitters, no conflicts (2 of 4 stars). 3 submissions from 3 submitters: Likely benign (2). 1 of the submissions does not count toward it. Last evaluated 2025-01-25.

Conditions:
PALLD-related disorder. Also called: PALLD-related condition.
Pancreatic adenocarcinoma. Identifiers: MedGen C0281361, MONDO:0006047, HP:0006725.

Allele frequency attached by ClinVar (database versions not stated): gnomAD exomes 0.00001.
gnomAD v4.1: 9 of 1,500,734 alleles (0.0006%); highest among the groups gnomAD compares: Non-Finnish European, 0.0008%; no homozygotes.

Submissions (3):

Ambry Genetics
Classification: Likely benign. Last evaluated: 2025-01-25. Review status: criteria provided, single submitter. Criteria: Ambry Variant Classification Scheme 2023. Collection method: clinical testing. Allele origin: germline.

Labcorp Genetics (formerly Invitae), Labcorp
Classification: Likely benign for Pancreatic adenocarcinoma. Last evaluated: 2023-08-27. Review status: criteria provided, single submitter. Criteria: Invitae Variant Classification Sherloc (09022015). Collection method: clinical testing. Allele origin: germline.

PreventionGenetics, part of Exact Sciences
Classification: Likely benign for PALLD-related condition. Last evaluated: 2022-01-18. Review status: no assertion criteria provided. Collection method: clinical testing. Allele origin: germline. Not counted in ClinVar's aggregate classification.
Comment: This variant is classified as likely benign based on ACMG/AMP sequence variant interpretation guidelines (Richards et al. 2015 PMID: 25741868, with internal and published modifications).